The following is an entry in ClinVar:

NM_014915.3(ANKRD26):c.2498T>G (p.Leu833Arg)

Gene: ANKRD26 (ankyrin repeat domain containing 26; minus strand). Cytogenetic location: 10p12.1.
Variant type: single nucleotide variant.
Coding change: c.2498T>G on transcript NM_014915.3 (MANE Select); coding-DNA position 2498, T replaced by G.
Protein change: p.Leu833Arg; replaces leucine 833 with arginine.
Molecular consequence: missense variant.
Genome position (GRCh38, 1-based): chr10:27,037,932, A>C on the plus strand (T>G on the coding strand, the complement: ANKRD26 is on the minus strand). VCF-style: chr10-27037932-A-C. GRCh37 (hg19) VCF-style: chr10-27326861-A-C.
Other names: c.2495T>G, p.Leu832Arg (NM_001256053.2); short protein forms L833R, L832R.
Identifiers: ClinVar variation 3869328 (VCV003869328.1).
Genomic context (GRCh38, chr10:27,037,932, plus strand): 5'-TGATTCAAATTACTTTTTACAGTCCTCAATTCCATCTCCAGTGTTTGGAGACTCAGTTCA[A>C]GCTGTTGTTTCACTTCAACTTCTTTCCTATATTGCTCTTCTTTTCTTCTTAACTGTTCCC-3'
Protein context (NP_055730.2, residues 823-843): YRKEVEVKQQ[Leu833Arg]ELSLQTLEME

ClinVar aggregate classification (germline): Uncertain significance (1 of 4 stars; one submission).

Conditions:
Inborn genetic diseases. Identifiers: MedGen C0950123, MeSH D030342.

Submission:

Ambry Genetics
Classification: Uncertain significance for Inborn genetic diseases. Last evaluated: 2024-12-16. Review status: criteria provided, single submitter. Criteria: Ambry Variant Classification Scheme 2023. Collection method: clinical testing. Allele origin: germline.
Comment: The p.L833R variant (also known as c.2498T>G), located in coding exon 22 of the ANKRD26 gene, results from a T to G substitution at nucleotide position 2498. The leucine at codon 833 is replaced by arginine, an amino acid with dissimilar properties. This amino acid position is conserved. In addition, the in silico prediction for this alteration is inconclusive. Based on the available evidence, the clinical significance of this variant remains unclear.